The following is an entry in ClinVar:

ClinVar aggregate classification (germline): Uncertain significance (1 of 4 stars; one submission).

Conditions:
Combined immunodeficiency due to LRBA deficiency. Also called: Common variable immunodeficiency 8, with autoimmunity. Identifiers: Orphanet 445018, MedGen C3553512, MONDO:0013863, OMIM 614700.

Allele frequency attached by ClinVar (database versions not stated): gnomAD exomes below 0.00001; ExAC 0.00001; gnomAD 0.00001; TOPMed 0.00001.
gnomAD v4.1: 28 of 1,613,176 alleles (0.0017%); highest among the groups gnomAD compares: Non-Finnish European, 0.0024%; no homozygotes.

Submission:

Labcorp Genetics (formerly Invitae), Labcorp
Classification: Uncertain significance for Combined immunodeficiency due to LRBA deficiency. Last evaluated: 2021-11-28. Review status: criteria provided, single submitter. Criteria: Invitae Variant Classification Sherloc (09022015). Collection method: clinical testing. Allele origin: germline.
Comment: In summary, the available evidence is currently insufficient to determine the role of this variant in disease. Therefore, it has been classified as a Variant of Uncertain Significance. Algorithms developed to predict the effect of missense changes on protein structure and function (SIFT, PolyPhen-2, Align-GVGD) all suggest that this variant is likely to be tolerated. This sequence change replaces valine, which is neutral and non-polar, with alanine, which is neutral and non-polar, at codon 540 of the LRBA protein (p.Val540Ala). This variant is present in population databases (rs760115438, gnomAD 0.0009%). This variant has not been reported in the literature in individuals affected with LRBA-related conditions.

NM_001364905.1(LRBA):c.1619T>C (p.Val540Ala)

Gene: LRBA (LPS responsive beige-like anchor protein; minus strand). Cytogenetic location: 4q31.3.
Variant type: single nucleotide variant.
Coding change: c.1619T>C on transcript NM_001364905.1 (MANE Select); coding-DNA position 1619, T replaced by C.
Protein change: p.Val540Ala; replaces valine 540 with alanine.
Molecular consequence: missense variant.
Genome position (GRCh38, 1-based): chr4:150,905,974, A>G on the plus strand (T>C on the coding strand, the complement: LRBA is on the minus strand). VCF-style: chr4-150905974-A-G. GRCh37 (hg19) VCF-style: chr4-151827126-A-G.
Other names: c.1619T>C, p.Val540Ala (NM_001199282.3, NM_001367550.1, NM_006726.5); short protein forms V540A.
Identifiers: ClinVar variation 1461756 (VCV001461756.5), dbSNP rs760115438, ClinGen allele CA3103519.